The following is an entry in ClinVar:

ClinVar aggregate classification (germline): Uncertain significance (1 of 4 stars; one submission).

Conditions:
Immunodeficiency 132A. Also called: Herpes simplex encephalitis, susceptibility to, 3. Identifiers: Orphanet 1930, MedGen C3553868, MONDO:0013920, OMIM 614849.

Submission:

Labcorp Genetics (formerly Invitae), Labcorp
Classification: Uncertain significance for Immunodeficiency 132A. Last evaluated: 2024-10-21. Review status: criteria provided, single submitter. Criteria: Invitae Variant Classification Sherloc (09022015). Collection method: clinical testing. Allele origin: germline.
Comment: This sequence change replaces glutamic acid, which is acidic and polar, with glycine, which is neutral and non-polar, at codon 193 of the TRAF3 protein (p.Glu193Gly). This variant is not present in population databases (gnomAD no frequency). This variant has not been reported in the literature in individuals affected with TRAF3-related conditions. An algorithm developed to predict the effect of missense changes on protein structure and function (PolyPhen-2) suggests that this variant is likely to be disruptive. In summary, the available evidence is currently insufficient to determine the role of this variant in disease. Therefore, it has been classified as a Variant of Uncertain Significance.

NM_145725.3(TRAF3):c.578A>G (p.Glu193Gly)

Genes: TRAF3 (TNF receptor associated factor 3; plus strand), LOC126862065 (BRD4-independent group 4 enhancer GRCh37_chr14:103352003-103353202; plus strand). Cytogenetic location: 14q32.32.
Variant type: single nucleotide variant.
Coding change: c.578A>G on transcript NM_145725.3 (MANE Select); coding-DNA position 578, A replaced by G.
Protein change: p.Glu193Gly; replaces glutamic acid 193 with glycine.
Molecular consequence: missense variant. On other transcripts: intron variant (2).
Genome position (GRCh38, 1-based): chr14:102,886,196, A>G. VCF-style: chr14-102886196-A-G. GRCh37 (hg19) VCF-style: chr14-103352533-A-G.
Other names: c.578A>G, p.Glu193Gly (NM_001385142.1, NM_003300.4, NM_145726.3); c.571-3364A>G (NM_001385143.1); c.570+9671A>G (NM_001199427.2); short protein forms E193G.
Identifiers: ClinVar variation 3694965 (VCV003694965.2).
Genomic context (GRCh38, chr14:102,886,196, plus strand): 5'-TGAAGGAAGACAGGTTGTGTGTTTAAAGTTGATAGTACTTTCTCTCTCTGTAGAAACACG[A>G]AGACACCGACTGTCCCTGCGTGGTGGTGTCCTGCCCTCACAAGTGCAGCGTCCAGACTCT-3'
Protein context (NP_663777.1, residues 183-203): QVPMIALQKH[Glu193Gly]DTDCPCVVVS